The following is an entry in ClinVar:

NM_170784.3(MKKS):c.753C>T (p.Asp251=)

Gene: MKKS (MKKS centrosomal shuttling protein; minus strand). Cytogenetic location: 20p12.2.
Variant type: single nucleotide variant.
Coding change: c.753C>T on transcript NM_170784.3 (MANE Select); coding-DNA position 753, C replaced by T.
Protein change: p.Asp251=; no amino-acid change (aspartic acid 251 retained).
Molecular consequence: synonymous variant.
Genome position (GRCh38, 1-based): chr20:10,412,762, G>A on the plus strand (C>T on the coding strand, the complement: MKKS is on the minus strand). VCF-style: chr20-10412762-G-A. GRCh37 (hg19) VCF-style: chr20-10393410-G-A.
Other names: c.753C>T, p.Asp251= (NM_018848.3).
Identifiers: ClinVar variation 5001932 (VCV005001932.1).
Genomic context (GRCh38, chr20:10,412,762, plus strand): 5'-TGCATTTTCAAGAGAAACCCCATAACTGACCACCACAGTTCCTTCTCCAGTGTCAGAAGT[G>A]TCTCCGGATAAAGTTGTACAAAAGAGTGCCACCTTGAGGGCAGTTGATTTTTTGATAGGT-3'
Protein context (NP_740754.1, residues 241-261): VALFCTTLSG[Asp251=]TSDTGEGTVV

ClinVar aggregate classification (germline): Likely benign (1 of 4 stars; one submission).

Conditions:
MKKS-related disorder. Also called: MKKS-related disorders; MKKS-related condition.

Submission:

PreventionGenetics, part of Exact Sciences
Classification: Likely benign for MKKS-related condition. Last evaluated: 2025-03-19. Review status: criteria provided, single submitter. Criteria: ACMG Guidelines, 2015. Collection method: clinical testing. Allele origin: germline.
Comment: This variant is classified as likely benign based on ACMG/AMP sequence variant interpretation guidelines (Richards et al. 2015 PMID: 25741868, with internal and published modifications).